The following is an entry in ClinVar:

ClinVar aggregate classification (germline): Benign (0 of 4 stars; one submission).

Conditions:
TJP1-related disorder. Also called: TJP1-related condition.

Allele frequency attached by ClinVar (database versions not stated): gnomAD 0.04869; 1000 Genomes Project 0.06490; 1000 Genomes Project 30x 0.06699; ExAC 0.07174.
gnomAD v4.1: 44,507 of 1,217,066 alleles (3.7%); highest among the groups gnomAD compares: Middle Eastern, 9.9%; 1,159 homozygotes.

Submission:

PreventionGenetics, part of Exact Sciences
Classification: Benign for TJP1-related condition. Last evaluated: 2019-02-21. Review status: no assertion criteria provided. Collection method: clinical testing. Allele origin: germline.
Comment: This variant is classified as benign based on ACMG/AMP sequence variant interpretation guidelines (Richards et al. 2015 PMID: 25741868, with internal and published modifications).

NM_001355012.2(TJP1):c.60C>G (p.Arg20=)

Gene: TJP1 (tight junction protein 1; minus strand). Cytogenetic location: 15q13.1.
Variant type: single nucleotide variant.
Coding change: c.60C>G on transcript NM_001355012.2; coding-DNA position 60, C replaced by G.
Protein change: p.Arg20=; no amino-acid change (arginine 20 retained).
Molecular consequence: synonymous variant.
Genome position (GRCh38, 1-based): chr15:29,968,780, G>C on the plus strand (C>G on the coding strand, the complement: TJP1 is on the minus strand). VCF-style: chr15-29968780-G-C. GRCh37 (hg19) VCF-style: chr15-30260983-G-C.
Other names: c.60C>G, p.Arg20= (NM_001301025.3).
Identifiers: ClinVar variation 3056901 (VCV003056901.2), dbSNP rs141536951, ClinGen allele CA7447722.